The following is an entry in ClinVar:

NM_015909.4(NBAS):c.6004C>T (p.His2002Tyr)

Gene: NBAS (NBAS subunit of NRZ tethering complex; minus strand). Cytogenetic location: 2p24.3.
Variant type: single nucleotide variant.
Coding change: c.6004C>T on transcript NM_015909.4 (MANE Select); coding-DNA position 6004, C replaced by T.
Protein change: p.His2002Tyr; replaces histidine 2002 with tyrosine.
Molecular consequence: missense variant. On other transcripts: non-coding transcript variant (1).
Genome position (GRCh38, 1-based): chr2:15,234,687, G>A on the plus strand (C>T on the coding strand, the complement: NBAS is on the minus strand). VCF-style: chr2-15234687-G-A. GRCh37 (hg19) VCF-style: chr2-15374811-G-A.
Other names: short protein forms H2002Y.
Identifiers: ClinVar variation 1359633 (VCV001359633.5), dbSNP rs748509480, ClinGen allele CA345889015.

ClinVar aggregate classification (germline): Uncertain significance (1 of 4 stars; one submission).

Allele frequency attached by ClinVar (database versions not stated): gnomAD exomes below 0.00001.
gnomAD v4.1: 1 of 1,614,116 alleles (0.000062%); highest among the groups gnomAD compares: Middle Eastern, 0.017%; no homozygotes.

Submission:

Labcorp Genetics (formerly Invitae), Labcorp
Classification: Uncertain significance. Last evaluated: 2021-09-24. Review status: criteria provided, single submitter. Criteria: Invitae Variant Classification Sherloc (09022015). Collection method: clinical testing. Allele origin: germline.
Comment: This sequence change replaces histidine with tyrosine at codon 2002 of the NBAS protein (p.His2002Tyr). The histidine residue is highly conserved and there is a moderate physicochemical difference between histidine and tyrosine. This variant is not present in population databases (ExAC no frequency). This variant has not been reported in the literature in individuals with NBAS-related conditions. Algorithms developed to predict the effect of missense changes on protein structure and function output the following: SIFT: "Deleterious"; PolyPhen-2: "Benign"; Align-GVGD: "Class C65". The tyrosine amino acid residue is found in multiple mammalian species, suggesting that this missense change does not adversely affect protein function. These predictions have not been confirmed by published functional studies and their clinical significance is uncertain. In summary, the available evidence is currently insufficient to determine the role of this variant in disease. Therefore, it has been classified as a Variant of Uncertain Significance.